The following is an entry in ClinVar:

ClinVar aggregate classification (germline): Pathogenic (1 of 4 stars; one submission).

Submission:

Labcorp Genetics (formerly Invitae), Labcorp
Classification: Pathogenic. Last evaluated: 2022-06-05. Review status: criteria provided, single submitter. Criteria: Invitae Variant Classification Sherloc (09022015). Collection method: clinical testing. Allele origin: germline.
Comment: This sequence change affects a donor splice site in intron 10 of the MYO7A gene. It is expected to disrupt RNA splicing. Variants that disrupt the donor or acceptor splice site typically lead to a loss of protein function (PMID: 16199547), and loss-of-function variants in MYO7A are known to be pathogenic (PMID: 8900236, 25404053). This variant is not present in population databases (gnomAD no frequency). Disruption of this splice site has been observed in individual(s) with Usher syndrome (Invitae). In at least one individual the data is consistent with being in trans (on the opposite chromosome) from a pathogenic variant. ClinVar contains an entry for this variant (Variation ID: 1445282). Algorithms developed to predict the effect of sequence changes on RNA splicing suggest that this variant may disrupt the consensus splice site. For these reasons, this variant has been classified as Pathogenic.

Literature cited by the submitters: PubMed 16199547; PubMed 8900236; PubMed 25404053.

NM_000260.4(MYO7A):c.1080+1G>A

Gene: MYO7A (myosin VIIA; plus strand). Cytogenetic location: 11q13.5.
Variant type: single nucleotide variant.
Coding change: c.1080+1G>A on transcript NM_000260.4 (MANE Select); the canonical splice donor site of the intron after coding-DNA position 1080, G replaced by A.
Molecular consequence: splice donor variant.
Genome position (GRCh38, 1-based): chr11:77,159,524, G>A. VCF-style: chr11-77159524-G-A. GRCh37 (hg19) VCF-style: chr11-76870570-G-A.
Other names: c.1047+1G>A (NM_001369365.1); c.1080+1G>A (NM_001127180.2).
Identifiers: ClinVar variation 1445282 (VCV001445282.6), dbSNP rs2135270924, ClinGen allele CA381934119.
Genomic context (GRCh38, chr11:77,159,524, plus strand): 5'-CTGGATGCCTGTGAGGTTCTCTTCTCCCCATCGCTGGCCACAGCTGCATCCCTGCTTGAG[G>A]TCAGTGCCTGGCCTCTCTCCCCTCCATGACTTCTGTCCCTCTGAAGGGTTGAGTTTAAGC-3'